The following is an entry in ClinVar:

ClinVar aggregate classification (germline): Pathogenic/Likely pathogenic. Review status: criteria provided, multiple submitters, no conflicts (2 of 4 stars). 4 submissions from 4 submitters: Pathogenic (2); Likely pathogenic (2). Last evaluated 2026-03-23.

Conditions:
PDZD7-related disorder. Also called: PDZD7-related condition; PDZD7-related disorders.
Deafness. Identifiers: MedGen C0011053.

Submissions (4):

Dasa
Classification: Pathogenic. Last evaluated: 2026-03-23. Review status: criteria provided, single submitter. Criteria: DASA Assertion Criteria. Collection method: clinical testing. Allele origin: germline.
Comment: NM_001195263.2(PDZD7):c.2209_2211delinsAA (p.Gln737Asnfs*16) is a frameshift variant in PDZD7 predicted to alter the reading frame and introduce a premature termination codon and is predicted to result in an absent or altered protein product. Loss of function is an established disease mechanism for PDZD7-associated disorders. This variant has been reported in individuals with PDZD7-related disorders (PMID: 36703223). Also, this variant is rare in population databases. Based on the currently available evidence, this variant is classified as pathogenic.

GeneDx
Classification: Likely pathogenic. Last evaluated: 2025-07-02. Review status: criteria provided, single submitter. Criteria: GeneDx Variant Classification Process June 2021. Collection method: clinical testing. Allele origin: germline. Affected: yes.
Comment: Frameshift variant predicted to result in protein truncation or nonsense mediated decay in a gene for which loss of function is a known mechanism of disease; This variant is associated with the following publications: (PMID: 36703223)

Dubai Health Genomic Medicine Center, Dubai Health
Classification: Pathogenic for Deafness. Last evaluated: 2024-10-04. Review status: criteria provided, single submitter. Criteria: ACMG Guidelines, 2015. Collection method: research. Allele origin: germline. Affected: yes.
Comment: PVS1, PM2, PP4

Blueprint Genetics
Classification: Likely pathogenic for PDZD7-related disorders. Last evaluated: 2021-09-03. Review status: criteria provided, single submitter. Criteria: ACMG Guidelines, 2015. Collection method: clinical testing. Allele origin: germline. Affected: yes. Observed: 2 variant alleles.

Literature cited by the submitters: PubMed 36703223 (cited by Dasa).

NM_001195263.2(PDZD7):c.2209_2211delinsAA (p.Gln737fs)

Gene: PDZD7 (PDZ domain containing 7; minus strand). Cytogenetic location: 10q24.31.
Variant type: Indel.
Coding change: c.2209_2211delinsAA on transcript NM_001195263.2 (MANE Select); coding-DNA positions 2209 to 2211, CAG replaced by AA.
Protein change: p.Gln737fs; shifts the reading frame from glutamine 737.
Molecular consequence: frameshift variant.
Genome position (GRCh38, 1-based): chr10:101,010,678-101,010,680, CTG replaced by TT on the plus strand (CAG replaced by AA on the coding strand, the reverse complement: PDZD7 is on the minus strand). VCF-style: chr10-101010678-CTG-TT. GRCh37 (hg19) VCF-style: chr10-102770435-CTG-TT.
Other names: c.2209_2211delinsAA (NM_001195263.1); short protein forms Q737fs.
Identifiers: ClinVar variation 1810226 (VCV001810226.6), dbSNP rs2492782810, ClinGen allele CA2580081132.
Genomic context (GRCh38, chr10:101,010,678, plus strand): 5'-GCTCAGGGGTTCTGTCAGCAGCCAGTTAGGCCGCAGGGGCCGGGGAGCCACGGGGGGTAG[CTG>TT]GGGAGGGGGTGTGCAGGCAATTCGGAGGGGGGTGAAGGCATCTACTGGCACGTCTTGTAG-3'